The following is an entry in ClinVar:

ClinVar aggregate classification (germline): Uncertain significance. Review status: criteria provided, multiple submitters, no conflicts (2 of 4 stars). 3 submissions from 3 submitters: Uncertain significance (3). Last evaluated 2025-04-21.

Allele frequency attached by ClinVar (database versions not stated): gnomAD exomes 0.00001 and 0.00003; ExAC 0.00005.
gnomAD v4.1: 23 of 1,614,146 alleles (0.0014%); highest among the groups gnomAD compares: Middle Eastern, 0.017%; 1 homozygote.

Submissions (3):

Labcorp Genetics (formerly Invitae), Labcorp
Classification: Uncertain significance. Last evaluated: 2025-04-21. Review status: criteria provided, single submitter. Criteria: Invitae Variant Classification Sherloc (09022015). Collection method: clinical testing. Allele origin: germline.
Comment: This sequence change replaces serine, which is neutral and polar, with leucine, which is neutral and non-polar, at codon 262 of the DHX38 protein (p.Ser262Leu). This variant is present in population databases (rs761037766, gnomAD 0.009%), including at least one homozygous and/or hemizygous individual. This variant has not been reported in the literature in individuals affected with DHX38-related conditions. ClinVar contains an entry for this variant (Variation ID: 961798). An algorithm developed to predict the effect of missense changes on protein structure and function (PolyPhen-2) suggests that this variant is likely to be tolerated. In summary, the available evidence is currently insufficient to determine the role of this variant in disease. Therefore, it has been classified as a Variant of Uncertain Significance.

Ambry Genetics
Classification: Uncertain significance. Last evaluated: 2024-05-13. Review status: criteria provided, single submitter. Criteria: Ambry Variant Classification Scheme 2023. Collection method: clinical testing. Allele origin: germline.

Blueprint Genetics
Classification: Uncertain significance. Last evaluated: 2024-02-21. Review status: criteria provided, single submitter. Criteria: ACMG Guidelines, 2015. Collection method: clinical testing. Allele origin: germline.

NM_014003.4(DHX38):c.785C>T (p.Ser262Leu)

Gene: DHX38 (DEAH-box helicase 38; plus strand). Cytogenetic location: 16q22.2.
Variant type: single nucleotide variant.
Coding change: c.785C>T on transcript NM_014003.4 (MANE Select); coding-DNA position 785, C replaced by T.
Protein change: p.Ser262Leu; replaces serine 262 with leucine.
Molecular consequence: missense variant.
Genome position (GRCh38, 1-based): chr16:72,098,947, C>T. VCF-style: chr16-72098947-C-T. GRCh37 (hg19) VCF-style: chr16-72132846-C-T.
Other names: short protein forms S262L.
Identifiers: ClinVar variation 961798 (VCV000961798.12), dbSNP rs761037766, ClinGen allele CA8160084.